The following is an entry in ClinVar:

ClinVar aggregate classification (germline): Uncertain significance (1 of 4 stars; one submission).

Allele frequency attached by ClinVar (database versions not stated): gnomAD exomes below 0.00001 and 0.00001; gnomAD 0.00001; TOPMed 0.00001; ExAC 0.00002.
gnomAD v4.1: 4 of 1,614,106 alleles (0.00025%); highest among the groups gnomAD compares: African/African-American, 0.0013%; no homozygotes.

Submission:

GeneDx
Classification: Uncertain significance. Last evaluated: 2020-10-20. Review status: criteria provided, single submitter. Criteria: GeneDx Variant Classification Process June 2021. Collection method: clinical testing. Allele origin: germline. Affected: yes.
Comment: Not observed at a significant frequency in large population cohorts (Lek et al., 2016); In silico analysis supports that this missense variant does not alter protein structure/function; Has not been previously published as pathogenic or benign to our knowledge

NM_005097.4(LGI1):c.79T>C (p.Ser27Pro)

Gene: LGI1 (leucine rich glioma inactivated 1; plus strand). Cytogenetic location: 10q23.33.
Variant type: single nucleotide variant.
Coding change: c.79T>C on transcript NM_005097.4 (MANE Select); coding-DNA position 79, T replaced by C.
Protein change: p.Ser27Pro; replaces serine 27 with proline.
Molecular consequence: missense variant. On other transcripts: non-coding transcript variant (1).
Genome position (GRCh38, 1-based): chr10:93,758,223, T>C. VCF-style: chr10-93758223-T-C. GRCh37 (hg19) VCF-style: chr10-95517980-T-C.
Other names: c.79T>C, p.Ser27Pro (NM_001308275.2, NM_001308276.2); short protein forms S27P.
Identifiers: ClinVar variation 1313538 (VCV001313538.2), dbSNP rs775207050, ClinGen allele CA5610997.
Genomic context (GRCh38, chr10:93,758,223, plus strand): 5'-AAAAGGATGGGAAATGCCTGCATTCCCCTGAAAAGAATTGCTTATTTCCTATGTCTCTTA[T>C]CTGCGCTTTTGCTGACTGAGGGGAAGAAACCAGCGAAGCCAAAATGCCCTGCCGTGTGTA-3'
Protein context (NP_005088.1, residues 17-37): KRIAYFLCLL[Ser27Pro]ALLLTEGKKP